The following is an entry in ClinVar:

NM_002485.5(NBN):c.778C>A (p.His260Asn)

Gene: NBN (nibrin; minus strand). Cytogenetic location: 8q21.3.
Variant type: single nucleotide variant.
Coding change: c.778C>A on transcript NM_002485.5 (MANE Select); coding-DNA position 778, C replaced by A.
Protein change: p.His260Asn; replaces histidine 260 with asparagine.
Molecular consequence: missense variant.
Genome position (GRCh38, 1-based): chr8:89,970,482, G>T on the plus strand (C>A on the coding strand, the complement: NBN is on the minus strand). VCF-style: chr8-89970482-G-T. GRCh37 (hg19) VCF-style: chr8-90982710-G-T.
Other names: c.532C>A, p.His178Asn (NM_001024688.3); c.778C>A (NM_002485.4); short protein forms H178N, H260N.
Identifiers: ClinVar variation 1019994 (VCV001019994.7), dbSNP rs767013459, ClinGen allele CA4802887.

ClinVar aggregate classification (germline): Uncertain significance. Review status: criteria provided, multiple submitters, no conflicts (2 of 4 stars). 3 submissions from 3 submitters: Uncertain significance (3). Last evaluated 2024-10-24.

Conditions:
Hereditary cancer-predisposing syndrome. Also called: Hereditary neoplastic syndrome; Neoplastic Syndromes, Hereditary; Tumor predisposition; Hereditary Cancer Syndrome. Identifiers: Orphanet 140162, MedGen C0027672, MeSH D009386, MONDO:0015356.
Microcephaly, normal intelligence and immunodeficiency (NBS). Also called: BERLIN BREAKAGE SYNDROME; Immunodeficiency, microcephaly with normal intelligence; Nijmegen breakage syndrome; Microcephaly with normal intelligence immunodeficiency and lymphoreticular malignancies; Nonsyndromal microcephaly autosomal recessive with normal intelligence; Seemanova syndrome 2. Identifiers: Orphanet 647, MedGen C0398791, MONDO:0009623, OMIM 251260.

Allele frequency attached by ClinVar (database versions not stated): TOPMed below 0.00001; gnomAD 0.00001; gnomAD exomes 0.00001; ExAC 0.00002.
gnomAD v4.1: 6 of 1,613,596 alleles (0.00037%); highest among the groups gnomAD compares: Non-Finnish European, 0.00042%; no homozygotes.

Submissions (3):

Quest Diagnostics Nichols Institute San Juan Capistrano
Classification: Uncertain significance. Last evaluated: 2024-10-24. Review status: criteria provided, single submitter. Criteria: Quest Diagnostics criteria. Collection method: clinical testing. Allele origin: unknown.
Comment: The NBN c.778C>A (p.His260Asn) variant has been reported in the published literature in individuals with breast cancer as well as in reportedly healthy individuals (PMID: 33471991 (2021), see also LOVD). The frequency of this variant in the general population, 0.000008 (2/251260 chromosomes (Genome Aggregation Database)), is uninformative in the assessment of its pathogenicity. Analysis of this variant using bioinformatics tools for the prediction of the effect of amino acid changes on protein structure and function yielded predictions that this variant is benign. Based on the available information, we are unable to determine the clinical significance of this variant.

Ambry Genetics
Classification: Uncertain significance for Hereditary cancer-predisposing syndrome. Last evaluated: 2024-06-16. Review status: criteria provided, single submitter. Criteria: Ambry Variant Classification Scheme 2023. Collection method: clinical testing. Allele origin: germline.
Comment: The p.H260N variant (also known as c.778C>A), located in coding exon 7 of the NBN gene, results from a C to A substitution at nucleotide position 778. The histidine at codon 260 is replaced by asparagine, an amino acid with similar properties. This amino acid position is conserved. In addition, this alteration is predicted to be tolerated by in silico analysis. Based on the available evidence, the clinical significance of this variant remains unclear.

Labcorp Genetics (formerly Invitae), Labcorp
Classification: Uncertain significance for Microcephaly, normal intelligence and immunodeficiency. Last evaluated: 2023-08-22. Review status: criteria provided, single submitter. Criteria: Invitae Variant Classification Sherloc (09022015). Collection method: clinical testing. Allele origin: germline.
Comment: This sequence change replaces histidine, which is basic and polar, with asparagine, which is neutral and polar, at codon 260 of the NBN protein (p.His260Asn). This variant is present in population databases (rs767013459, gnomAD 0.002%). This variant has not been reported in the literature in individuals affected with NBN-related conditions. ClinVar contains an entry for this variant (Variation ID: 1019994). An algorithm developed to predict the effect of missense changes on protein structure and function (PolyPhen-2) suggests that this variant is likely to be tolerated. In summary, the available evidence is currently insufficient to determine the role of this variant in disease. Therefore, it has been classified as a Variant of Uncertain Significance.

Literature cited by the submitters: PubMed 33471991 (cited by Quest Diagnostics Nichols Institute San Juan Capistrano).